The following is an entry in ClinVar:

ClinVar aggregate classification (germline): Uncertain significance (1 of 4 stars; one submission).

Conditions:
Inborn genetic diseases. Identifiers: MedGen C0950123, MeSH D030342.

Submission:

Ambry Genetics
Classification: Uncertain significance for Inborn genetic diseases. Last evaluated: 2025-07-17. Review status: criteria provided, single submitter. Criteria: Ambry Variant Classification Scheme 2023. Collection method: clinical testing. Allele origin: germline.
Comment: The p.V1121F variant (also known as c.3361G>T), located in coding exon 13 of the ASXL1 gene, results from a G to T substitution at nucleotide position 3361. The valine at codon 1121 is replaced by phenylalanine, an amino acid with highly similar properties. This amino acid position is conserved. In addition, this alteration is predicted to be tolerated by in silico analysis. Based on the available evidence, the clinical significance of this variant remains unclear.

NM_015338.6(ASXL1):c.3361G>T (p.Val1121Phe)

Gene: ASXL1 (ASXL transcriptional regulator 1; plus strand). Cytogenetic location: 20q11.21.
Variant type: single nucleotide variant.
Coding change: c.3361G>T on transcript NM_015338.6 (MANE Select); coding-DNA position 3361, G replaced by T.
Protein change: p.Val1121Phe; replaces valine 1121 with phenylalanine.
Molecular consequence: missense variant.
Genome position (GRCh38, 1-based): chr20:32,436,073, G>T. VCF-style: chr20-32436073-G-T. GRCh37 (hg19) VCF-style: chr20-31023876-G-T.
Other names: c.3178G>T, p.Val1060Phe (NM_001363734.1); short protein forms V1060F, V1121F.
Identifiers: ClinVar variation 4158278 (VCV004158278.1).